The following is an entry in ClinVar:

NM_001113491.2(SEPTIN9):c.1752G>A (p.Pro584=)

Gene: SEPTIN9 (septin 9; plus strand). Cytogenetic location: 17q25.3.
Variant type: single nucleotide variant.
Coding change: c.1752G>A on transcript NM_001113491.2 (MANE Select); coding-DNA position 1752, G replaced by A.
Protein change: p.Pro584=; no amino-acid change (proline 584 retained).
Molecular consequence: synonymous variant.
Genome position (GRCh38, 1-based): chr17:77,498,649, G>A. VCF-style: chr17-77498649-G-A. GRCh37 (hg19) VCF-style: chr17-75494731-G-A.
Other names: p.Pro566=; c.1260G>A, p.Pro420= (NM_001113492.2, NM_001113494.1); c.1731G>A, p.Pro577= (NM_001113493.2); c.999G>A, p.Pro333= (NM_001113495.2, NM_001113496.2, NM_001293697.2 and 1 more transcripts); c.1695G>A, p.Pro565= (NM_001293695.2); c.1080G>A, p.Pro360= (NM_001293696.2); c.1698G>A, p.Pro566= (NM_006640.5).
Identifiers: ClinVar variation 325569 (VCV000325569.47), dbSNP rs367775215, ClinGen allele CA8793930.

ClinVar aggregate classification (germline): Benign/Likely benign. Review status: criteria provided, multiple submitters, no conflicts (2 of 4 stars). 11 submissions from 11 submitters: Benign (5); Likely benign (2). 4 of the submissions do not count toward it. Last evaluated 2026-01-26.

Conditions:
Amyotrophic neuralgia (HNA). Also called: AMYOTROPHY, HEREDITARY NEURALGIC, WITH PREDILECTION FOR BRACHIAL PLEXUS; Hereditary Brachial Plexus Neuropathy; Neuritis with Brachial Predilection; AMYOTROPHY, HEREDITARY NEURALGIC. Identifiers: Orphanet 2901, MedGen C1834304, MONDO:0008076, OMIM 162100.

Allele frequency attached by ClinVar (database versions not stated): gnomAD 0.00169 and 0.00161; ESP Exome Variant Server 0.00231; 1000 Genomes Project 30x 0.00031; 1000 Genomes Project 0.00040; TOPMed 0.00142; ExAC 0.00152.
gnomAD v4.1: 3,561 of 1,608,780 alleles (0.22%); highest among the groups gnomAD compares: Non-Finnish European, 0.23%; 7 homozygotes.

Submissions (11):

Labcorp Genetics (formerly Invitae), Labcorp
Classification: Benign. Last evaluated: 2026-01-26. Review status: criteria provided, single submitter. Criteria: Invitae Variant Classification Sherloc (09022015). Collection method: clinical testing. Allele origin: germline.

Blueprint Genetics
Classification: Likely benign. Last evaluated: 2024-11-27. Review status: criteria provided, single submitter. Criteria: ACMG Guidelines, 2015. Collection method: clinical testing. Allele origin: germline.

CeGaT Center for Human Genetics Tuebingen
Classification: Likely benign. Last evaluated: 2024-03-01. Review status: criteria provided, single submitter. Criteria: CeGaT Center For Human Genetics Tuebingen Variant Classification Criteria Version 2. Collection method: clinical testing. Allele origin: germline. Affected: yes. Observed: 8 variant alleles.
Comment: SEPTIN9: BP4, BP7, BS1

Genome-Nilou Lab
Classification: Benign for Amyotrophic neuralgia. Last evaluated: 2021-12-05. Review status: criteria provided, single submitter. Criteria: ACMG Guidelines, 2015. Collection method: clinical testing. Allele origin: germline. Affected: no.

Mayo Clinic Laboratories, Mayo Clinic
Classification: Benign. Last evaluated: 2020-09-04. Review status: criteria provided, single submitter. Criteria: ACMG Guidelines, 2015. Collection method: clinical testing. Allele origin: germline. Observed: 3 variant alleles.

GeneDx
Classification: Benign. Last evaluated: 2018-12-20. Review status: criteria provided, single submitter. Criteria: GeneDx Variant Classification Process June 2021. Collection method: clinical testing. Allele origin: germline. Affected: yes.

Illumina Laboratory Services, Illumina
Classification: Benign for Amyotrophy, hereditary neuralgic. Last evaluated: 2018-01-13. Review status: criteria provided, single submitter. Criteria: ICSL Variant Classification Criteria 13 December 2019. Collection method: clinical testing. Allele origin: germline.
Comment: This variant was observed in the ICSL laboratory as part of a predisposition screen in an ostensibly healthy population. It had not been previously curated by ICSL or reported in the Human Gene Mutation Database (HGMD: prior to June 1st, 2018), and was therefore a candidate for classification through an automated scoring system. Utilizing variant allele frequency, disease prevalence and penetrance estimates, and inheritance mode, an automated score was calculated to assess if this variant is too frequent to cause the disease. Based on the score and internal cut-off values, a variant classified as benign is not then subjected to further curation. The score for this variant resulted in a classification of benign for this disease.

Clinical Genetics DNA and cytogenetics Diagnostics Lab, Erasmus MC, Erasmus Medical Center
Classification: Likely benign. Review status: no assertion criteria provided. Collection method: clinical testing. Allele origin: germline. Affected: yes. Study: VKGL Data-share Consensus. Not counted in ClinVar's aggregate classification.

Clinical Genetics, Academic Medical Center
Classification: Benign. Review status: no assertion criteria provided. Collection method: clinical testing. Allele origin: germline. Affected: yes. Study: VKGL Data-share Consensus. Not counted in ClinVar's aggregate classification.

Genome Diagnostics Laboratory, University Medical Center Utrecht
Classification: Likely benign. Review status: no assertion criteria provided. Collection method: clinical testing. Allele origin: germline. Affected: yes. Study: VKGL Data-share Consensus. Not counted in ClinVar's aggregate classification.

Joint Genome Diagnostic Labs from Nijmegen and Maastricht, Radboudumc and MUMC+
Classification: Likely benign. Review status: no assertion criteria provided. Collection method: clinical testing. Allele origin: germline. Affected: yes. Study: VKGL Data-share Consensus. Not counted in ClinVar's aggregate classification.